The following is an entry in ClinVar:

NM_001048174.2(MUTYH):c.904G>C (p.Glu302Gln)

Gene: MUTYH (mutY DNA glycosylase; minus strand). Cytogenetic location: 1p34.1.
Variant type: single nucleotide variant.
Coding change: c.904G>C on transcript NM_001048174.2 (MANE Select); coding-DNA position 904, G replaced by C.
Protein change: p.Glu302Gln; replaces glutamic acid 302 with glutamine.
Molecular consequence: missense variant. On other transcripts: non-coding transcript variant (7).
Genome position (GRCh38, 1-based): chr1:45,332,032, C>G on the plus strand (G>C on the coding strand, the complement: MUTYH is on the minus strand). VCF-style: chr1-45332032-C-G. GRCh37 (hg19) VCF-style: chr1-45797704-C-G.
Other names: c.946G>C, p.Glu316Gln (NM_001407085.1, NM_001407083.1); c.907G>C, p.Glu303Gln (NM_001407086.1, NM_001048172.2, NM_001407071.1 and 1 more transcripts); c.925G>C, p.Glu309Gln (NM_001407087.1); c.904G>C, p.Glu302Gln (NM_001407088.1, NM_001407089.1, NM_001293195.2 and 6 more transcripts); c.628G>C, p.Glu210Gln (NM_001407091.1, NM_001293192.2, NM_001293196.2); c.979G>C, p.Glu327Gln (NM_012222.3); c.949G>C, p.Glu317Gln (NM_001293190.2); c.937G>C, p.Glu313Gln (NM_001293191.2, NM_001407069.1, NM_001407077.1); and 5 more; short protein forms E309Q, E316Q, E187Q, E288Q, E302Q, E303Q, E313Q, E210Q.
Identifiers: ClinVar variation 4113989 (VCV004113989.1).
Genomic context (GRCh38, chr1:45,332,032, plus strand): 5'-CTTCTGACTGGGCCAGGAAGGGTTGGGGTGGGGGCTAGGTTTGGTGCTCACCACACTCCT[C>G]CACGTCAGGACTGCCCGACAGGCTCCCTGAGGCTAAGAGCTGTTCCTGCTCCACCTGAGA-3'
Protein context (NP_001041639.1, residues 292-312): SGSLSGSPDV[Glu302Gln]ECAPNTGQCH

ClinVar aggregate classification (germline): Uncertain significance (1 of 4 stars; one submission).

Conditions:
Hereditary cancer-predisposing syndrome. Also called: Hereditary neoplastic syndrome; Neoplastic Syndromes, Hereditary; Tumor predisposition; Hereditary Cancer Syndrome. Identifiers: Orphanet 140162, MedGen C0027672, MeSH D009386, MONDO:0015356.

Submission:

Ambry Genetics
Classification: Uncertain significance for Hereditary cancer-predisposing syndrome. Last evaluated: 2025-08-27. Review status: criteria provided, single submitter. Criteria: Ambry Variant Classification Scheme 2023. Collection method: clinical testing. Allele origin: germline.
Comment: The p.E330Q variant (also known as c.988G>C), located in coding exon 11 of the MUTYH gene, results from a G to C substitution at nucleotide position 988. The glutamic acid at codon 330 is replaced by glutamine, an amino acid with highly similar properties. This amino acid position is conserved. In addition, this alteration is predicted to be tolerated by in silico analysis. Based on the available evidence, the clinical significance of this variant remains unclear.